The following is an entry in ClinVar:

NM_012210.4(TRIM32):c.73G>T (p.Glu25Ter)

Genes: ASTN2 (astrotactin 2; minus strand), TRIM32 (tripartite motif containing 32; plus strand). Cytogenetic location: 9q33.1.
Variant type: single nucleotide variant.
Coding change: c.73G>T on transcript NM_012210.4 (MANE Select); coding-DNA position 73, G replaced by T.
Protein change: p.Glu25Ter; replaces glutamic acid 25 with a stop codon.
Molecular consequence: nonsense. On other transcripts: intron variant (3).
Genome position (GRCh38, 1-based): chr9:116,697,815, G>T. VCF-style: chr9-116697815-G-T. GRCh37 (hg19) VCF-style: chr9-119460094-G-T.
Other names: c.73G>T, p.Glu25Ter (NM_001099679.2, NM_001379048.1, NM_001379049.1 and 1 more transcripts); c.2653+27956C>A (NM_014010.5); c.2794+27956C>A (NM_001365069.1); c.2806+27956C>A (NM_001365068.1); short protein forms E25*.
Identifiers: ClinVar variation 1705156 (VCV001705156.1), dbSNP rs2491056549, ClinGen allele CA374647503.

ClinVar aggregate classification (germline): Likely pathogenic (1 of 4 stars; one submission).

Conditions:
Autosomal recessive limb-girdle muscular dystrophy. Identifiers: Orphanet 102015, MedGen C2931907, MONDO:0015152.

gnomAD v4.1: 1 of 1,614,154 alleles (0.000062%); no homozygotes.

Submission:

Women's Health and Genetics/Laboratory Corporation of America, LabCorp
Classification: Likely pathogenic for Autosomal recessive limb-girdle muscular dystrophy. Last evaluated: 2022-08-19. Review status: criteria provided, single submitter. Criteria: LabCorp Variant Classification Summary - May 2015. Collection method: clinical testing. Allele origin: germline.
Comment: Variant summary: TRIM32 c.73G>T (p.Glu25X) results in a premature termination codon, predicted to cause a truncation of the encoded protein or absence of the protein due to nonsense mediated decay, which are commonly known mechanisms for disease. Truncations downstream of this position have been reported in association with Muscular dystrophy, limb-girdle in HGMD. The variant was absent in 251418 control chromosomes. To our knowledge, no occurrence of c.73G>T in individuals affected with Limb-Girdle Muscular Dystrophy, Autosomal Recessive and no experimental evidence demonstrating its impact on protein function have been reported. No clinical diagnostic laboratories have submitted clinical-significance assessments for this variant to ClinVar after 2014. Based on the evidence outlined above, the variant was classified as likely pathogenic.